The following is an entry in ClinVar:

NC_000016.10:g.67660324del

Gene: ACD (ACD shelterin complex subunit and telomerase recruitment factor; minus strand). Cytogenetic location: 16q22.1.
Variant type: Deletion.
Genome position: GRCh38 VCF-style: chr16-67660323-GA-G. GRCh37 (hg19) VCF-style: chr16-67694226-GA-G.
Identifiers: ClinVar variation 1899623 (VCV001899623.5), dbSNP rs760567176, ClinGen allele CA8114891.

ClinVar aggregate classification (germline): Uncertain significance (1 of 4 stars; one submission).

Conditions:
Dyskeratosis congenita, autosomal dominant 6 (DKCA6). Identifiers: Orphanet 3322, MedGen C4225284, MONDO:0014690, OMIM 616553.

Allele frequency attached by ClinVar (database versions not stated): TOPMed below 0.00001; ExAC 0.00001; gnomAD 0.00001.

Submission:

Labcorp Genetics (formerly Invitae), Labcorp
Classification: Uncertain significance for Dyskeratosis congenita, autosomal dominant 6. Last evaluated: 2022-09-23. Review status: criteria provided, single submitter. Criteria: Invitae Variant Classification Sherloc (09022015). Collection method: clinical testing. Allele origin: germline.
Comment: In summary, the available evidence is currently insufficient to determine the role of this variant in disease. Therefore, it has been classified as a Variant of Uncertain Significance. This variant has not been reported in the literature in individuals affected with ACD-related conditions. This variant is present in population databases (rs760567176, gnomAD 0.01%). This sequence change creates a premature translational stop signal (p.Leu52Profs*32) in the ACD gene. It is expected to result in an absent or disrupted protein product. However, the current clinical and genetic evidence is not sufficient to establish whether loss-of-function variants in ACD cause disease.